The following is an entry in ClinVar:

NM_023067.4(FOXL2):c.663_692del (p.Ala225_Ala234del)

Gene: FOXL2 (forkhead box L2; minus strand). Cytogenetic location: 3q22.3.
Variant type: Deletion.
Coding change: c.663_692del on transcript NM_023067.4 (MANE Select); coding-DNA positions 663 to 692, 30 bases deleted (GGCAGCCGCAGCGGCTGCAGCAGCTGCGGC).
Protein change: p.Ala225_Ala234del.
Molecular consequence: inframe deletion.
Genome position (GRCh38, 1-based): chr3:138,946,031-138,946,060, GCCGCAGCTGCTGCAGCCGCTGCGGCTGCC deleted on the plus strand (GGCAGCCGCAGCGGCTGCAGCAGCTGCGGC on the coding strand, the reverse complement: FOXL2 is on the minus strand); deleting any 30 consecutive bases within chr3:138,946,031-138,946,063 gives the same sequence; the c. name uses the placement nearest the transcript's 3' end. VCF-style (leftmost placement, unchanged base first): chr3-138946030-AGCCGCAGCTGCTGCAGCCGCTGCGGCTGCC-A. GRCh37 (hg19) VCF-style: chr3-138664872-AGCCGCAGCTGCTGCAGCCGCTGCGGCTGCC-A.
Identifiers: ClinVar variation 4868 (VCV000004868.29), dbSNP rs764243782, ClinGen allele CA2639743.

ClinVar aggregate classification (germline): Likely pathogenic. Review status: criteria provided, single submitter (1 of 4 stars). 2 submissions from 2 submitters: Likely pathogenic (1). 1 of the submissions does not count toward it. Last evaluated 2023-04-01.

Conditions:
Premature ovarian failure 3 (POF3). Identifiers: MedGen C1837008, MONDO:0012169, OMIM 608996.

Submissions (2):

CeGaT Center for Human Genetics Tuebingen
Classification: Likely pathogenic. Last evaluated: 2023-04-01. Review status: criteria provided, single submitter. Criteria: CeGaT Center For Human Genetics Tuebingen Variant Classification Criteria Version 2. Collection method: clinical testing. Allele origin: germline. Affected: yes. Observed: 1 variant allele.
Comment: FOXL2: PM2, PM4, PS4:Moderate

OMIM
Classification: Pathogenic for PREMATURE OVARIAN FAILURE 3. Last evaluated: 2002-08-01. Review status: no assertion criteria provided. Collection method: literature only. Allele origin: germline. Not counted in ClinVar's aggregate classification.

Literature cited by the submitters: PubMed 12149404 (cited by OMIM).